The following continues an entry in ClinVar:

NM_007294.4(BRCA1):c.1687C>T (p.Gln563Ter)

Gene: BRCA1. ClinVar aggregate classification (germline): Pathogenic. Pathogenic (1).

Submissions 10 to 23 of 60:

Ambry Genetics
Classification: Pathogenic for Hereditary cancer-predisposing syndrome. Last evaluated: 2025-05-29. Review status: criteria provided, single submitter. Criteria: Ambry Variant Classification Scheme 2023. Collection method: clinical testing. Allele origin: germline. Not counted in ClinVar's aggregate classification.
Comment: The p.Q563* pathogenic mutation (also known as c.1687C>T), located in coding exon 9 of the BRCA1 gene, results from a C to T substitution at nucleotide position 1687. This changes the amino acid from a glutamine to a stop codon within coding exon 9. This mutation has been reported in numerous patients and families with hereditary breast and ovarian cancer (HBOC) syndrome (Shattuck-Eidens D et al. JAMA. 1995 Feb;273:535-41; Ghiorzo P et al. Fam. Cancer. 2012 Mar;11:41-7; Wong-Brown MW et al. Breast Cancer Res. Treat. 2015 Feb;150:71-80; Finch A et al. Clin. Genet. 2016 Mar;89:304-11; Fernandes GC et al. Oncotarget. 2016 Dec;7:80465-80481; Cotrim DP et al. BMC Cancer. 2019 Jan;19(1):4). This alteration has been described as a European founder mutation, having been detected in Austrian, Slovenian, Swedish and Polish populations (Janaviius R. EPMA J. 2010 Sep;1:397-412; Kluska A et al. BMC Med. Genomics. 2015 May;8:19). Of note, this alteration is also designated as 1806C>T in published literature. In addition to the clinical data presented in the literature, this alteration is expected to result in loss of function by premature protein truncation or nonsense-mediated mRNA decay. As such, this alteration is interpreted as a disease-causing mutation.

Bioscientia Institut fuer Medizinische Diagnostik GmbH, Sonic Healthcare
Classification: Pathogenic for Breast-ovarian cancer, familial, susceptibility to, 1. Last evaluated: 2025-02-13. Review status: criteria provided, single submitter. Criteria: ACMG Guidelines, 2015. Collection method: clinical testing. Allele origin: germline. Affected: yes. Not counted in ClinVar's aggregate classification.

ARUP Laboratories, Molecular Genetics and Genomics, ARUP Laboratories
Classification: Pathogenic. Last evaluated: 2024-12-18. Review status: criteria provided, single submitter. Criteria: ARUP Molecular Germline Variant Investigation Process 2024. Collection method: clinical testing. Allele origin: germline. Not counted in ClinVar's aggregate classification.
Comment: The BRCA1 c.1687C>T; p.Gln563Ter variant (rs80356898), also known as 1806C>T, is reported in the literature in multiple individuals affected with hereditary breast, ovarian and/or pancreatic cancer (Cunningham 2014, Maistro 2016, Shattuck-Eidens 1995, Wagner 1998, Ghiorzo 2012) and it is also reported as pathogenic in ClinVar (Variation ID: 37426). This variant is observed on 7 out of 250426 alleles in the Genome Aggregation Database. The variant introduces an early termination codon and is predicted to result in a truncated protein or mRNA subject to nonsense-mediated decay. Based on the available information, this variant is considered to be pathogenic. References: Cunningham J et al. Clinical characteristics of ovarian cancer classified by BRCA1, BRCA2, and RAD51C status. Sci Rep. 2014; 4:4026. PMID: 24504028 Maistro S et al. Germline mutations in BRCA1 and BRCA2 in epithelial ovarian cancer patients in Brazil. BMC Cancer. 2016; 16(1):934. PMID: 27914478 Shattuck-Eidens D et al. A collaborative survey of 80 mutations in the BRCA1 breast and ovarian cancer susceptibility gene. Implications for presymptomatic testing and screening. JAMA. 1995; 273(7):535-41. PMID: 7837387 Wagner T et al. BRCA1-related breast cancer in Austrian breast and ovarian cancer families: specific BRCA1 mutations and pathological characteristics. Int J Cancer. 1998; 77(3):354-60. PMID: 9663595 Ghiorzo P et al. Contribution of germline mutations in the BRCA and PALB2 genes to pancreatic cancer in Italy. Fam Cancer. 2012 Mar;11(1):41-7. PMID: 21989927

Blueprint Genetics
Classification: Pathogenic for BRCA1-related disorders. Last evaluated: 2024-10-23. Review status: criteria provided, single submitter. Criteria: ACMG Guidelines, 2015. Collection method: clinical testing. Allele origin: germline. Affected: yes. Observed: 5 variant alleles. Not counted in ClinVar's aggregate classification.

All of Us Research Program, National Institutes of Health
Classification: Pathogenic for BRCA1-related cancer predisposition. Last evaluated: 2024-09-13. Review status: criteria provided, single submitter. Criteria: ACMG Guidelines, 2015. Collection method: clinical testing. Allele origin: germline. Inheritance: Autosomal dominant inheritance. Observed: 9 variant alleles, 9 heterozygotes. Not counted in ClinVar's aggregate classification.
Comment: This variant changes 1 nucleotide in exon 10 of the BRCA1 gene, creating a premature translation stop signal. This variant is expected to result in an absent or non-functional protein product. This variant has been reported in individuals affected with breast and/or ovarian cancer and in hereditary breast and ovarian cancer families (PMID: 20373018, 23479189, 24504028, 24728189, 25066507, 25330149, 26083025, 26219728, 26350514, 26852130, 27425403, 27741520, 28324225, 29335924, 30606148, 36367610, 38386807, 38785549, 38922859). This variant also has been detected in a breast cancer case-control meta-analysis in 12/60466 cases and 4/53461 unaffected individuals (PMID: 33471991; Leiden Open Variation Database DB-ID BRCA1_000161). This variant has been identified in 7/250426 chromosomes in the general population by the Genome Aggregation Database (gnomAD). Loss of BRCA1 function is a known mechanism of disease. Based on the available evidence, this variant is classified as Pathogenic.

This study involves interpretation of variants in research participants for the purpose of population health screening. Participant phenotype was not available at the time of variant classification. Additional details can be found in publication PMID: 35346344, PMCID: PMC8962531

Color Diagnostics, LLC DBA Color Health
Classification: Pathogenic for Hereditary cancer-predisposing syndrome. Last evaluated: 2024-07-17. Review status: criteria provided, single submitter. Criteria: ACMG Guidelines, 2015. Collection method: clinical testing. Allele origin: germline. Not counted in ClinVar's aggregate classification.
Comment: This variant changes 1 nucleotide in exon 10 of the BRCA1 gene, creating a premature translation stop signal. This variant is expected to result in an absent or non-functional protein product. This variant has been reported in individuals affected with breast and/or ovarian cancer and in hereditary breast and ovarian cancer families (PMID: 20373018, 23479189, 24504028, 24728189, 25066507, 25330149, 26083025, 26219728, 26350514, 26852130, 27425403, 27741520, 28324225, 29335924, 30606148, 36367610, 38386807, 38785549, 38922859). This variant also has been detected in a breast cancer case-control meta-analysis in 12/60466 cases and 4/53461 unaffected individuals (PMID: 33471991; Leiden Open Variation Database DB-ID BRCA1_000161). This variant has been identified in 7/250426 chromosomes in the general population by the Genome Aggregation Database (gnomAD). Loss of BRCA1 function is a known mechanism of disease. Based on the available evidence, this variant is classified as Pathogenic.

Quest Diagnostics Nichols Institute San Juan Capistrano
Classification: Pathogenic. Last evaluated: 2024-07-01. Review status: criteria provided, single submitter. Criteria: Quest Diagnostics criteria. Collection method: clinical testing. Allele origin: unknown. Not counted in ClinVar's aggregate classification.
Comment: The BRCA1 c.1687C>T (p.Gln563*) variant causes the premature termination of BRCA1 protein synthesis. This variant has been reported in the published literature in numerous individuals with breast and/or ovarian cancer (PMIDs: 20104584 (2010), 26219728 (2016), 27425403 (2016), 27741520 (2016), 29335924 (2018), 33478551 (2021), 33670479 (2021), 38386807 (2024), 38785549 (2024)), as well as in individuals with pancreatic (PMIDs: 21989927 (2012), 32073954 (2020)), bladder (PMIDs: 32073954 (2020), 32073954 (2022)), and cervical cancer (PMID: 36451132 (2022)). Based on the available information, this variant is classified as pathogenic.

Revvity Omics, Revvity
Classification: Pathogenic. Last evaluated: 2024-06-12. Review status: criteria provided, single submitter. Criteria: ACMG Guidelines, 2015. Collection method: clinical testing. Allele origin: germline. Not counted in ClinVar's aggregate classification.

Department of Clinical Genetics, Copenhagen University Hospital, Rigshospitalet
Classification: Pathogenic for Breast-ovarian cancer, familial, susceptibility to, 1. Last evaluated: 2024-05-27. Review status: criteria provided, single submitter. Criteria: ACMG Guidelines, 2015. Collection method: clinical testing. Allele origin: germline. Affected: yes. Not counted in ClinVar's aggregate classification.
Comment: PVS1; PM5_PTC_Strong

Clinical Genetics Laboratory, Skane University Hospital Lund
Classification: Pathogenic. Last evaluated: 2024-03-08. Review status: criteria provided, single submitter. Criteria: ACMG Guidelines, 2015. Collection method: clinical testing. Allele origin: germline. Affected: yes. Not counted in ClinVar's aggregate classification.

Baylor Genetics
Classification: Pathogenic for Breast-ovarian cancer, familial, susceptibility to, 1. Last evaluated: 2024-01-25. Review status: criteria provided, single submitter. Criteria: ACMG Guidelines, 2015. Collection method: clinical testing. Allele origin: unknown. Not counted in ClinVar's aggregate classification.

Human Genetics Bochum, Ruhr University Bochum
Classification: Pathogenic for Breast-ovarian cancer, familial, susceptibility to, 1. Last evaluated: 2023-09-07. Review status: criteria provided, single submitter. Criteria: ACMG Guidelines, 2015. Collection method: clinical testing. Allele origin: germline. Affected: yes. Not counted in ClinVar's aggregate classification.
Comment: ACMG criteria used to clasify this variant:PVS1, PS4_SUP, PM2_SUP

Centre for Mendelian Genomics, University Medical Centre Ljubljana
Classification: Pathogenic for Breast-ovarian cancer, familial, susceptibility to, 1. Last evaluated: 2022-12-09. Review status: criteria provided, single submitter. Criteria: ACMG Guidelines, 2015. Collection method: research. Allele origin: germline. Affected: no. Not counted in ClinVar's aggregate classification.
Comment: PVS1, PS3, PS4_STR

Department of Human Genetics, Hannover Medical School
Classification: Pathogenic for Breast-ovarian cancer, familial, susceptibility to, 1. Last evaluated: 2022-03-30. Review status: criteria provided, single submitter. Criteria: ACMG Guidelines, 2015. Collection method: clinical testing. Allele origin: germline. Inheritance: Autosomal dominant inheritance. Affected: yes. Not counted in ClinVar's aggregate classification.